The following is an entry in ClinVar:

NM_032603.5(LOXL3):c.741G>A (p.Ala247=)

Gene: LOXL3 (lysyl oxidase like 3; minus strand). Cytogenetic location: 2p13.1.
Variant type: single nucleotide variant.
Coding change: c.741G>A on transcript NM_032603.5 (MANE Select); coding-DNA position 741, G replaced by A.
Protein change: p.Ala247=; no amino-acid change (alanine 247 retained).
Molecular consequence: synonymous variant. On other transcripts: intron variant (2).
Genome position (GRCh38, 1-based): chr2:74,536,880, C>T on the plus strand (G>A on the coding strand, the complement: LOXL3 is on the minus strand). VCF-style: chr2-74536880-C-T. GRCh37 (hg19) VCF-style: chr2-74764007-C-T.
Other names: c.478-409G>A (NM_001289164.3); c.-171-409G>A (NM_001289165.2); c.741G>A (NM_032603.4).
Identifiers: ClinVar variation 1541291 (VCV001541291.11), dbSNP rs143919179, ClinGen allele CA1729095.

ClinVar aggregate classification (germline): Likely benign. Review status: criteria provided, multiple submitters, no conflicts (2 of 4 stars). 3 submissions from 3 submitters: Likely benign (2). 1 of the submissions does not count toward it. Last evaluated 2025-09-10.

Conditions:
LOXL3-related disorder. Also called: LOXL3-related condition.

Allele frequency attached by ClinVar (database versions not stated): gnomAD 0.00005 and 0.00006; TOPMed 0.00005; ESP Exome Variant Server 0.00008; gnomAD exomes 0.00010; ExAC 0.00015; 1000 Genomes Project 0.00020; 1000 Genomes Project 30x 0.00031.
gnomAD v4.1: 186 of 1,614,186 alleles (0.012%); highest among the groups gnomAD compares: Non-Finnish European, 0.015%; no homozygotes.

Submissions (3):

Labcorp Genetics (formerly Invitae), Labcorp
Classification: Likely benign. Last evaluated: 2025-09-10. Review status: criteria provided, single submitter. Criteria: Invitae Variant Classification Sherloc (09022015). Collection method: clinical testing. Allele origin: germline.

Breakthrough Genomics
Classification: Likely benign. Review status: criteria provided, single submitter. Criteria: ACMG Guidelines, 2015. Collection method: not provided. Allele origin: germline. Inheritance: Autosomal recessive inheritance. Affected: yes.

PreventionGenetics, part of Exact Sciences
Classification: Likely benign for LOXL3-related condition. Last evaluated: 2019-07-19. Review status: no assertion criteria provided. Collection method: clinical testing. Allele origin: germline. Not counted in ClinVar's aggregate classification.
Comment: This variant is classified as likely benign based on ACMG/AMP sequence variant interpretation guidelines (Richards et al. 2015 PMID: 25741868, with internal and published modifications).